The following is an entry in ClinVar:

ClinVar aggregate classification (germline): Conflicting classifications of pathogenicity. Review status: criteria provided, conflicting classifications (1 of 4 stars). 2 submissions from 2 submitters: Uncertain significance (1); Likely benign (1). Last evaluated 2026-01-20.

Conditions:
Neutropenia, severe congenital, 2, autosomal dominant. Identifiers: Orphanet 486, MedGen C2751288, MONDO:0013139, OMIM 613107.

Allele frequency attached by ClinVar (database versions not stated): gnomAD exomes 0.00004 and 0.00008; ExAC 0.00005; ESP Exome Variant Server 0.00008; TOPMed 0.00009; gnomAD 0.00011 and 0.00012.

Submissions (2):

Labcorp Genetics (formerly Invitae), Labcorp
Classification: Uncertain significance for Neutropenia, severe congenital, 2, autosomal dominant. Last evaluated: 2026-01-20. Review status: criteria provided, single submitter. Criteria: Invitae Variant Classification Sherloc (09022015). Collection method: clinical testing. Allele origin: germline.
Comment: This sequence change replaces aspartic acid, which is acidic and polar, with glycine, which is neutral and non-polar, at codon 313 of the GFI1 protein (p.Asp313Gly). The frequency data for this variant in the population databases is considered unreliable, as metrics indicate poor data quality at this position in the gnomAD database. This variant has not been reported in the literature in individuals affected with GFI1-related conditions. ClinVar contains an entry for this variant (Variation ID: 566000). Invitae Evidence Modeling of protein sequence and biophysical properties (such as structural, functional, and spatial information, amino acid conservation, physicochemical variation, residue mobility, and thermodynamic stability) indicates that this missense variant is not expected to disrupt GFI1 protein function with a negative predictive value of 80%. In summary, the available evidence is currently insufficient to determine the role of this variant in disease. Therefore, it has been classified as a Variant of Uncertain Significance.

Blueprint Genetics
Classification: Likely benign. Last evaluated: 2024-07-03. Review status: criteria provided, single submitter. Criteria: ACMG Guidelines, 2015. Collection method: clinical testing. Allele origin: germline.

NM_005263.5(GFI1):c.938A>G (p.Asp313Gly)

Gene: GFI1 (growth factor independent 1 transcriptional repressor; minus strand). Cytogenetic location: 1p22.1.
Variant type: single nucleotide variant.
Coding change: c.938A>G on transcript NM_005263.5 (MANE Select); coding-DNA position 938, A replaced by G.
Protein change: p.Asp313Gly; replaces aspartic acid 313 with glycine.
Molecular consequence: missense variant.
Genome position (GRCh38, 1-based): chr1:92,478,740, T>C on the plus strand (A>G on the coding strand, the complement: GFI1 is on the minus strand). VCF-style: chr1-92478740-T-C. GRCh37 (hg19) VCF-style: chr1-92944297-T-C.
Other names: c.938A>G, p.Asp313Gly (NM_001127215.3, NM_001127216.3); short protein forms D313G.
Identifiers: ClinVar variation 566000 (VCV000566000.9), dbSNP rs376042061, ClinGen allele CA951265.